The following is an entry in ClinVar:

ClinVar aggregate classification (germline): Uncertain significance (1 of 4 stars; one submission).

Conditions:
Catecholaminergic polymorphic ventricular tachycardia (CVPT). Also called: Catecholamine-induced polymorphic ventricular tachycardia. Identifiers: Orphanet 3286, MedGen C5574922, MONDO:0017990.

Submission:

Labcorp Genetics (formerly Invitae), Labcorp
Classification: Uncertain significance for Catecholaminergic polymorphic ventricular tachycardia 1. Last evaluated: 2018-01-04. Review status: criteria provided, single submitter. Criteria: Invitae Variant Classification Sherloc (09022015). Collection method: clinical testing. Allele origin: germline.
Comment: This variant is a gross duplication of the genomic region encompassing exons 32-33 of the TRDN gene. While the exact position of the duplicated exons cannot be determined from this data, sub-genic duplications are generally in tandem (PMID: 25640679). This duplication would be expected to be in-frame, preserving the integrity of the reading frame. This variant has not been reported in the literature in individuals with TRDN-related disease. Experimental studies and prediction algorithms are not available for this variant, and the functional significance of the duplicated amino acids is currently unknown. In summary, the available evidence is currently insufficient to determine the role of this variant in disease. Therefore, it has been classified as a Variant of Uncertain Significance.

NC_000006.11:g.(?_123586443)_(123588916_?)dup

Gene: TRDN (triadin; minus strand). Cytogenetic location: 6q22.31.
Variant type: Duplication.
Identifiers: ClinVar variation 532434 (VCV000532434.2).